The following is an entry in ClinVar:

ClinVar aggregate classification (germline): Uncertain significance (1 of 4 stars; one submission).

Conditions:
Congenital contractural arachnodactyly (CCA). Also called: BEALS SYNDROME; Beals-Hecht syndrome; Arthrogryposis, distal, type 9. Identifiers: Orphanet 115, MedGen C0220668, MONDO:0007363, OMIM 121050.

Submission:

Labcorp Genetics (formerly Invitae), Labcorp
Classification: Uncertain significance for Congenital contractural arachnodactyly. Last evaluated: 2025-01-12. Review status: criteria provided, single submitter. Criteria: Invitae Variant Classification Sherloc (09022015). Collection method: clinical testing. Allele origin: germline.
Comment: This sequence change replaces threonine, which is neutral and polar, with proline, which is neutral and non-polar, at codon 1627 of the FBN2 protein (p.Thr1627Pro). This variant is not present in population databases (gnomAD no frequency). This variant has not been reported in the literature in individuals affected with FBN2-related conditions. ClinVar contains an entry for this variant (Variation ID: 575269). An algorithm developed to predict the effect of missense changes on protein structure and function (PolyPhen-2) suggests that this variant is likely to be disruptive. In summary, the available evidence is currently insufficient to determine the role of this variant in disease. Therefore, it has been classified as a Variant of Uncertain Significance.

NM_001999.4(FBN2):c.4879A>C (p.Thr1627Pro)

Gene: FBN2 (fibrillin 2; minus strand). Cytogenetic location: 5q23.3.
Variant type: single nucleotide variant.
Coding change: c.4879A>C on transcript NM_001999.4 (MANE Select); coding-DNA position 4879, A replaced by C.
Protein change: p.Thr1627Pro; replaces threonine 1627 with proline.
Molecular consequence: missense variant.
Genome position (GRCh38, 1-based): chr5:128,312,634, T>G on the plus strand (A>C on the coding strand, the complement: FBN2 is on the minus strand). VCF-style: chr5-128312634-T-G. GRCh37 (hg19) VCF-style: chr5-127648326-T-G.
Other names: short protein forms T1627P.
Identifiers: ClinVar variation 575269 (VCV000575269.11), dbSNP rs1561765113, ClinGen allele CA360746476.